The following is an entry in ClinVar:

NM_018076.5(ODAD2):c.2140G>A (p.Gly714Arg)

Gene: ODAD2 (outer dynein arm docking complex subunit 2; minus strand). Cytogenetic location: 10p12.1.
Variant type: single nucleotide variant.
Coding change: c.2140G>A on transcript NM_018076.5 (MANE Select); coding-DNA position 2140, G replaced by A.
Protein change: p.Gly714Arg; replaces glycine 714 with arginine.
Molecular consequence: missense variant.
Genome position (GRCh38, 1-based): chr10:27,936,838, C>T on the plus strand (G>A on the coding strand, the complement: ODAD2 is on the minus strand). VCF-style: chr10-27936838-C-T. GRCh37 (hg19) VCF-style: chr10-28225767-C-T.
Other names: c.2140G>A, p.Gly714Arg (NM_001290020.2); c.715G>A, p.Gly239Arg (NM_001290021.2); c.1216G>A, p.Gly406Arg (NM_001312689.2); short protein forms G714R, G406R, G239R.
Identifiers: ClinVar variation 3687394 (VCV003687394.2).

ClinVar aggregate classification (germline): Uncertain significance (1 of 4 stars; one submission).

Conditions:
Primary ciliary dyskinesia 23 (CILD23). Also called: CILIARY DYSKINESIA, PRIMARY, 23, WITH OR WITHOUT SITUS INVERSUS. Identifiers: Orphanet 244, MedGen C3809548, MONDO:0014193, OMIM 615451.

gnomAD v4.1: 2 of 1,613,682 alleles (0.00012%); highest among the groups gnomAD compares: Non-Finnish European, 0.00017%; no homozygotes.

Submission:

Labcorp Genetics (formerly Invitae), Labcorp
Classification: Uncertain significance for Primary ciliary dyskinesia 23. Last evaluated: 2024-09-09. Review status: criteria provided, single submitter. Criteria: Invitae Variant Classification Sherloc (09022015). Collection method: clinical testing. Allele origin: germline.
Comment: This sequence change replaces glycine, which is neutral and non-polar, with arginine, which is basic and polar, at codon 714 of the ARMC4 protein (p.Gly714Arg). This variant is not present in population databases (gnomAD no frequency). This variant has not been reported in the literature in individuals affected with ARMC4-related conditions. An algorithm developed to predict the effect of missense changes on protein structure and function (PolyPhen-2) suggests that this variant is likely to be disruptive. In summary, the available evidence is currently insufficient to determine the role of this variant in disease. Therefore, it has been classified as a Variant of Uncertain Significance.